The following is an entry in ClinVar:

NM_000414.4(HSD17B4):c.439del (p.Ile147fs)

Gene: HSD17B4 (hydroxysteroid 17-beta dehydrogenase 4; plus strand). Cytogenetic location: 5q23.1.
Variant type: Deletion.
Coding change: c.439del on transcript NM_000414.4 (MANE Select); coding-DNA position 439, one base deleted (A; older notation c.439delA).
Protein change: p.Ile147fs; shifts the reading frame from isoleucine 147.
Molecular consequence: frameshift variant. On other transcripts: 5 prime UTR variant (1), non-coding transcript variant (2).
Genome position (GRCh38, 1-based): chr5:119,478,838, A deleted. VCF-style (leftmost placement, unchanged base first): chr5-119478837-TA-T. GRCh37 (hg19) VCF-style: chr5-118814532-TA-T.
Other names: c.514del, p.Ile172fs (NM_001199291.3); c.385del, p.Ile129fs (NM_001199292.2); c.367del, p.Ile123fs (NM_001292027.2); c.19del, p.Ile7fs (NM_001292028.2); c.430del, p.Ile144fs (NM_001374497.1); c.439del, p.Ile147fs (NM_001374498.1); c.112del, p.Ile38fs (NM_001374499.1); c.-3del (NM_001374500.1); and 1 more; short protein forms I123fs, I147fs, I7fs, I10fs, I144fs, I172fs, I129fs, I38fs.
Identifiers: ClinVar variation 1371276 (VCV001371276.6), dbSNP rs2126702418, ClinGen allele CA2573138654.

ClinVar aggregate classification (germline): Pathogenic (1 of 4 stars; one submission).

Conditions:
Perrault syndrome. Also called: Gonadal dysgenesis with auditory dysfunction, autosomal recessive inheritance. Identifiers: Orphanet 2855, MedGen C0685838, MONDO:0017312.
Bifunctional peroxisomal enzyme deficiency (DBIF). Also called: D-bifunctional protein deficiency; DBP DEFICIENCY; PBFE DEFICIENCY. Identifiers: Orphanet 300, MedGen C0342870, MONDO:0009855, OMIM 261515. Disease mechanism: loss of function.

Allele frequency attached by ClinVar (database versions not stated): gnomAD 0.00001.

Submission:

Labcorp Genetics (formerly Invitae), Labcorp
Classification: Pathogenic for Perrault syndrome; Bifunctional peroxisomal enzyme deficiency. Last evaluated: 2021-08-05. Review status: criteria provided, single submitter. Criteria: Invitae Variant Classification Sherloc (09022015). Collection method: clinical testing. Allele origin: germline.
Comment: This sequence change creates a premature translational stop signal (p.Ile147Leufs*2) in the HSD17B4 gene. It is expected to result in an absent or disrupted protein product. Loss-of-function variants in HSD17B4 are known to be pathogenic (PMID: 11810648, 16385454). This variant is not present in population databases (ExAC no frequency). This variant has not been reported in the literature in individuals affected with HSD17B4-related conditions. For these reasons, this variant has been classified as Pathogenic.

Literature cited by the submitters: PubMed 11810648; PubMed 16385454.